The following is an entry in ClinVar:

ClinVar aggregate classification (germline): Likely pathogenic. Review status: reviewed by expert panel (3 of 4 stars). 5 submissions from 5 submitters: Likely pathogenic (1). 4 of the submissions do not count toward it. Last evaluated 2025-12-05.

Conditions:
Thrombophilia, X-linked, due to factor 8 defect. Also called: THROMBOPHILIA, X-LINKED, DUE TO FACTOR VIII DEFECT; Thrombophilia 13, X-linked, due to factor VIII defect. Identifiers: MedGen C5676879, MONDO:0859082, OMIM 301071.
Hereditary factor VIII deficiency disease (HEMA). Also called: HEMOPHILIA, CLASSIC; Hemophilia A; Hemophilia A, congenital; HEM A; Factor 8 deficiency, congenital; AUTOSOMAL HEMOPHILIA A. Identifiers: Orphanet 98878, MedGen C0019069, MONDO:0010602, OMIM 306700.

Allele frequency attached by ClinVar (database versions not stated): ESP Exome Variant Server 0.00009; TOPMed 0.00001; gnomAD 0.00002.
gnomAD v4.1: 2 of 1,208,727 alleles (0.00017%); highest among the groups gnomAD compares: African/African-American, 0.0035%; no homozygotes.

Submissions (5):

ClinGen Coagulation Factor Deficiency Variant Curation Expert Panel, Clingen
Classification: Likely pathogenic for Hereditary factor VIII deficiency disease. Last evaluated: 2025-12-05. Review status: reviewed by expert panel. Criteria: ClinGen CoagFactor ACMG Specifications F8 V1.0.0. Collection method: curation. Allele origin: germline. Inheritance: X-linked inheritance.
Comment: The NM_000132.4(F8):c.323A>C (p.Lys108Thr) variant is a missense variant in F8 that has been observed in at least one proband in the literature (PMID:29296726, PP4_Moderate) and four probands from an internal laboratory cohort with mild hemophilia A and type 2N von Willebrand disease ruled out (4 points PS4, PS4). This variant is predicted to have a deleterious effect (REVEL score of 0.873; PP3), which is greater than the ClinGen CFD threshold for PP3 (>0.6). In summary, this variant meets the criteria to be classified as likely pathogenic for hemophilia A. ACMG/AMP criteria applied, as specified by the Coagulation Factor Deficiency Variant Curation Expert Panel (specifications version 1.0.0) for F8: PS4, PP4_Moderate, PP3.

Women's Health and Genetics/Laboratory Corporation of America, LabCorp
Classification: Uncertain significance. Last evaluated: 2024-10-17. Review status: criteria provided, single submitter. Criteria: LabCorp Variant Classification Summary - May 2015. Collection method: clinical testing. Allele origin: germline. Not counted in ClinVar's aggregate classification.
Comment: Variant summary: F8 c.323A>C (p.Lys108Thr) results in a non-conservative amino acid change located in the Multicopper oxidase-like, N-terminal domain (IPR011707) of the encoded protein sequence. Four of five in-silico tools predict a damaging effect of the variant on protein function. The variant was absent in 183423 control chromosomes. c.323A>C has been reported in the literature in the presumed hemizygous state in at least 1 individuals affected with clinical features of Factor VIII Deficiency (Hemophilia A) (example, Higuchi_1991). These data do not allow any conclusion about variant significance. At least one publication reports experimental evidence evaluating an impact on protein function. The most pronounced variant effect results in 10%-<30% of FVIII activity (example, Higuchi_1991). The following publication has been ascertained in the context of this evaluation (PMID: 1908096). ClinVar contains an entry for this variant (Variation ID: 10167). Based on the evidence outlined above, the variant was classified as VUS-possibly pathogenic.

Mendelics
Classification: Pathogenic for Thrombophilia, X-linked, due to factor 8 defect. Last evaluated: 2022-05-04. Review status: criteria provided, single submitter. Criteria: Mendelics Assertion Criteria 2019. Collection method: clinical testing. Allele origin: germline. Not counted in ClinVar's aggregate classification.

ARUP Laboratories, Molecular Genetics and Genomics, ARUP Laboratories
Classification: Pathogenic. Last evaluated: 2017-03-06. Review status: criteria provided, single submitter. Criteria: ARUP Molecular Germline Variant Investigation Process. Collection method: clinical testing. Allele origin: germline. Not counted in ClinVar's aggregate classification.

OMIM
Classification: Pathogenic for HEMOPHILIA A. Last evaluated: 1991-08-15. Review status: no assertion criteria provided. Collection method: literature only. Allele origin: germline. Not counted in ClinVar's aggregate classification.

Literature cited by the submitters: PubMed 1908096 (cited by Women's Health and Genetics/Laboratory Corporation of America, LabCorp and OMIM).

NM_000132.4(F8):c.323A>C (p.Lys108Thr)

Gene: F8 (coagulation factor VIII; minus strand). Cytogenetic location: Xq28.
Variant type: single nucleotide variant.
Coding change: c.323A>C on transcript NM_000132.4 (MANE Select); coding-DNA position 323, A replaced by C.
Protein change: p.Lys108Thr; replaces lysine 108 with threonine.
Molecular consequence: missense variant.
Genome position (GRCh38, 1-based): chrX:154,997,038, T>G on the plus strand (A>C on the coding strand, the complement: F8 is on the minus strand). VCF-style: chrX-154997038-T-G. GRCh37 (hg19) VCF-style: chrX-154225313-T-G.
Other names: F8, LYS89THR; K89T; NM_000132.4(F8):c.323A>C; short protein forms K108T.
Identifiers: ClinVar variation 10167 (VCV000010167.10), dbSNP rs137852384, ClinGen allele CA255056.
Genomic context (GRCh38, chrX:154,997,038, plus strand): 5'-GAAGCTTTCCAGTAGGATACACCAACAGCATGAAGACTGACAGGATGGGAAGCCATGTTC[T>G]TAAGTGTAATGACCACTGTATCATAAACCTCAGCCTGGATGGTAGGACCTAGCAGACCTG-3'
Protein context (NP_000123.1, residues 98-118): EVYDTVVITL[Lys108Thr]NMASHPVSLH